The following is an entry in ClinVar:

ClinVar aggregate classification (germline): Uncertain significance (1 of 4 stars; one submission).

gnomAD v4.1: 1 of 1,611,920 alleles (0.000062%); highest among the groups gnomAD compares: Non-Finnish European, 0.000085%; no homozygotes.

Submission:

Labcorp Genetics (formerly Invitae), Labcorp
Classification: Uncertain significance. Last evaluated: 2023-09-05. Review status: criteria provided, single submitter. Criteria: Invitae Variant Classification Sherloc (09022015). Collection method: clinical testing. Allele origin: germline.
Comment: Advanced modeling of protein sequence and biophysical properties (such as structural, functional, and spatial information, amino acid conservation, physicochemical variation, residue mobility, and thermodynamic stability) has been performed at Invitae for this missense variant, however the output from this modeling did not meet the statistical confidence thresholds required to predict the impact of this variant on FLNB protein function. In summary, the available evidence is currently insufficient to determine the role of this variant in disease. Therefore, it has been classified as a Variant of Uncertain Significance. This sequence change replaces glycine, which is neutral and non-polar, with cysteine, which is neutral and slightly polar, at codon 493 of the FLNB protein (p.Gly493Cys). This variant is not present in population databases (gnomAD no frequency). This variant has not been reported in the literature in individuals affected with FLNB-related conditions.

NM_001457.4(FLNB):c.1477G>T (p.Gly493Cys)

Gene: FLNB (filamin B; plus strand). Cytogenetic location: 3p14.3.
Variant type: single nucleotide variant.
Coding change: c.1477G>T on transcript NM_001457.4 (MANE Select); coding-DNA position 1477, G replaced by T.
Protein change: p.Gly493Cys; replaces glycine 493 with cysteine.
Molecular consequence: missense variant.
Genome position (GRCh38, 1-based): chr3:58,102,334, G>T. VCF-style: chr3-58102334-G-T. GRCh37 (hg19) VCF-style: chr3-58088061-G-T.
Other names: c.1477G>T, p.Gly493Cys (NM_001164317.2, NM_001164318.2, NM_001164319.2); short protein forms G493C.
Identifiers: ClinVar variation 2839204 (VCV002839204.3), dbSNP rs2471064514, ClinGen allele CA353338115.
Genomic context (GRCh38, chr3:58,102,334, plus strand): 5'-ACAGATTTCAAGGTTGACACCAAAGCTGCAGGAAGTGGGGAGCTCGGTGTAACCATGAAG[G>T]GTCCTAGTAAGTGTTCCTTTGTTTCTCTATCTCAGGTGTGGTTTTGGCTAACTTTGCAGC-3'
Protein context (NP_001448.2, residues 483-503): GSGELGVTMK[Gly493Cys]PKGLEELVKQ